The following is an entry in ClinVar:

ClinVar aggregate classification (germline): Uncertain significance (1 of 4 stars; one submission).

Allele frequency attached by ClinVar (database versions not stated): ExAC 0.00001.

Submission:

Ambry Genetics
Classification: Uncertain significance. Last evaluated: 2023-03-06. Review status: criteria provided, single submitter. Criteria: Ambry Variant Classification Scheme 2023. Collection method: clinical testing. Allele origin: germline.
Comment: The p.P94Q variant (also known as c.281C>A), located in coding exon 3 of the RECQL gene, results from a C to A substitution at nucleotide position 281. The proline at codon 94 is replaced by glutamine, an amino acid with similar properties. This amino acid position is poorly conserved in available vertebrate species. In addition, this alteration is predicted to be tolerated by in silico analysis. Since supporting evidence is limited at this time, the clinical significance of this alteration remains unclear.

NM_002907.4(RECQL):c.281C>A (p.Pro94Gln)

Gene: RECQL (RecQ like helicase; minus strand). Cytogenetic location: 12p12.1.
Variant type: single nucleotide variant.
Coding change: c.281C>A on transcript NM_002907.4 (MANE Select); coding-DNA position 281, C replaced by A.
Protein change: p.Pro94Gln; replaces proline 94 with glutamine.
Molecular consequence: missense variant.
Genome position (GRCh38, 1-based): chr12:21,490,312, G>T on the plus strand (C>A on the coding strand, the complement: RECQL is on the minus strand). VCF-style: chr12-21490312-G-T. GRCh37 (hg19) VCF-style: chr12-21643246-G-T.
Other names: c.281C>A, p.Pro94Gln (NM_032941.3); short protein forms P94Q.
Identifiers: ClinVar variation 1796420 (VCV001796420.3), dbSNP rs769014960, ClinGen allele CA6479140.